The following is an entry in ClinVar:

NM_004006.3(DMD):c.5602dup (p.Arg1868fs)

Gene: DMD (dystrophin; minus strand). Cytogenetic location: Xp21.1.
Variant type: Duplication.
Coding change: c.5602dup on transcript NM_004006.3 (MANE Select); coding-DNA position 5602, one base duplicated (A; older notation c.5602dupA).
Protein change: p.Arg1868fs; shifts the reading frame from arginine 1868.
Molecular consequence: frameshift variant.
Genome position (GRCh38, 1-based): chrX:32,343,271, T duplicated on the plus strand (A on the coding strand, the reverse complement: DMD is on the minus strand); the first of 3 consecutive T bases (chrX:32,343,271-32,343,273); duplicating any one gives the same sequence. VCF-style (leftmost placement, unchanged base first): chrX-32343270-C-CT. GRCh37 (hg19) VCF-style: chrX-32361387-C-CT.
Other names: c.5578dup, p.Arg1860fs (NM_000109.4); c.5590dup, p.Arg1864fs (NM_004009.3); c.5233dup, p.Arg1745fs (NM_004010.3); c.1579dup, p.Arg527fs (NM_004011.4); c.1570dup, p.Arg524fs (NM_004012.4); short protein forms R1745fs, R1860fs, R1864fs, R1868fs, R524fs, R527fs.
Identifiers: ClinVar variation 1806420 (VCV001806420.1), dbSNP rs2521868351, ClinGen allele CA2580100664.
Genomic context (GRCh38, chrX:32,343,270, plus strand): 5'-TCATCAGCCTGCCTCTTGTACTGATACCACTGATGAGAAATTTCTAGAGCCTTTTTTCTT[C>CT]TTTGAGACCTCAAATCCTGTTCATGGTGCAGACATTATTAAAATATCAATATATATGTAT-3'

ClinVar aggregate classification (germline): Pathogenic (1 of 4 stars; one submission).

Conditions:
Duchenne muscular dystrophy (DMD). Also called: MUSCULAR DYSTROPHY, PSEUDOHYPERTROPHIC PROGRESSIVE, DUCHENNE TYPE; Duchenne Muscular Dystrophy (DMD). Identifiers: Orphanet 98896, MedGen C0013264, MONDO:0010679, OMIM 310200.

Submission:

Laboratory of Medical Genetics, National & Kapodistrian University of Athens
Classification: Pathogenic for Duchenne muscular dystrophy. Last evaluated: 2022-12-16. Review status: criteria provided, single submitter. Criteria: ACMG Guidelines, 2015. Collection method: clinical testing. Allele origin: germline. Affected: yes.
Comment: PVS1, PM2, PP5

Literature cited by the submitters: PubMed 28318817.